The following is an entry in ClinVar:

NM_020999.4(NEUROG3):c.406A>G (p.Thr136Ala)

Gene: NEUROG3 (neurogenin 3; minus strand). Cytogenetic location: 10q22.1.
Variant type: single nucleotide variant.
Coding change: c.406A>G on transcript NM_020999.4 (MANE Select); coding-DNA position 406, A replaced by G.
Protein change: p.Thr136Ala; replaces threonine 136 with alanine.
Molecular consequence: missense variant.
Genome position (GRCh38, 1-based): chr10:69,572,638, T>C on the plus strand (A>G on the coding strand, the complement: NEUROG3 is on the minus strand). VCF-style: chr10-69572638-T-C. GRCh37 (hg19) VCF-style: chr10-71332394-T-C.
Other names: short protein forms T136A.
Identifiers: ClinVar variation 1347545 (VCV001347545.5), dbSNP rs1011008295, ClinGen allele CA209280584.

ClinVar aggregate classification (germline): Uncertain significance (1 of 4 stars; one submission).

Allele frequency attached by ClinVar (database versions not stated): TOPMed below 0.00001.

Submission:

Labcorp Genetics (formerly Invitae), Labcorp
Classification: Uncertain significance. Last evaluated: 2024-12-09. Review status: criteria provided, single submitter. Criteria: Invitae Variant Classification Sherloc (09022015). Collection method: clinical testing. Allele origin: germline.
Comment: This sequence change replaces threonine, which is neutral and polar, with alanine, which is neutral and non-polar, at codon 136 of the NEUROG3 protein (p.Thr136Ala). This variant is not present in population databases (gnomAD no frequency). This variant has not been reported in the literature in individuals affected with NEUROG3-related conditions. ClinVar contains an entry for this variant (Variation ID: 1347545). An algorithm developed to predict the effect of missense changes on protein structure and function (PolyPhen-2) suggests that this variant is likely to be tolerated. In summary, the available evidence is currently insufficient to determine the role of this variant in disease. Therefore, it has been classified as a Variant of Uncertain Significance.